The following is an entry in ClinVar:

NM_001349206.2(LPIN1):c.928C>G (p.Leu310Val)

Genes: LPIN1 (lipin 1; plus strand), LOC126806147 (CDK7 strongly-dependent group 2 enhancer GRCh37_chr2:11919054-11920253; plus strand). Cytogenetic location: 2p25.1.
Variant type: single nucleotide variant.
Coding change: c.928C>G on transcript NM_001349206.2 (MANE Select); coding-DNA position 928, C replaced by G.
Protein change: p.Leu310Val; replaces leucine 310 with valine.
Molecular consequence: missense variant. On other transcripts: non-coding transcript variant (1).
Genome position (GRCh38, 1-based): chr2:11,779,616, C>G. VCF-style: chr2-11779616-C-G. GRCh37 (hg19) VCF-style: chr2-11919742-C-G.
Other names: c.838C>G, p.Leu280Val (NM_001261427.3); c.1075C>G, p.Leu359Val (NM_001261428.3); c.820C>G, p.Leu274Val (NM_001349199.2, NM_001349200.2, NM_001349201.2 and 1 more transcripts); c.925C>G, p.Leu309Val (NM_001349202.2, NM_001349203.2); c.928C>G, p.Leu310Val (NM_001349204.2, NM_001349205.2); c.1018C>G, p.Leu340Val (NM_001349207.2); c.967C>G, p.Leu323Val (NM_001349208.2); c.820C>G (NM_145693.1); short protein forms L280V, L310V, L359V, L274V, L323V, L340V, L309V.
Identifiers: ClinVar variation 1419330 (VCV001419330.7), dbSNP rs757007907, ClinGen allele CA1533544.

ClinVar aggregate classification (germline): Uncertain significance. Review status: criteria provided, multiple submitters, no conflicts (2 of 4 stars). 4 submissions from 4 submitters: Uncertain significance (4). Last evaluated 2025-04-13.

Conditions:
Inborn genetic diseases. Identifiers: MedGen C0950123, MeSH D030342.
Myoglobinuria, acute recurrent, autosomal recessive. Also called: Myoglobinuria, recurrent, autosomal recessive; MYOGLOBINURIA, FAMILIAL PAROXYSMAL PARALYTIC; RHABDOMYOLYSIS, ACUTE RECURRENT. Identifiers: Orphanet 99845, MedGen C1849386, MONDO:0009992, OMIM 268200.

gnomAD v4.1: 42 of 1,614,010 alleles (0.0026%); highest among the groups gnomAD compares: Non-Finnish European, 0.0033%; no homozygotes.

Submissions (4):

Ambry Genetics
Classification: Uncertain significance for Inborn genetic diseases. Last evaluated: 2025-04-13. Review status: criteria provided, single submitter. Criteria: Ambry Variant Classification Scheme 2023. Collection method: clinical testing. Allele origin: germline.

Fulgent Genetics
Classification: Uncertain significance for Myoglobinuria, acute recurrent, autosomal recessive. Last evaluated: 2024-02-26. Review status: criteria provided, single submitter. Criteria: ACMG Guidelines, 2015. Collection method: clinical testing. Allele origin: germline.

GeneDx
Classification: Uncertain significance. Last evaluated: 2022-01-11. Review status: criteria provided, single submitter. Criteria: GeneDx Variant Classification Process June 2021. Collection method: clinical testing. Allele origin: germline. Affected: yes.
Comment: Not observed at significant frequency in large population cohorts (gnomAD); In silico analysis supports that this missense variant does not alter protein structure/function; Has not been previously published as pathogenic or benign to our knowledge

Labcorp Genetics (formerly Invitae), Labcorp
Classification: Uncertain significance. Last evaluated: 2021-10-04. Review status: criteria provided, single submitter. Criteria: Invitae Variant Classification Sherloc (09022015). Collection method: clinical testing. Allele origin: germline.
Comment: This sequence change replaces leucine with valine at codon 274 of the LPIN1 protein (p.Leu274Val). The leucine residue is moderately conserved and there is a small physicochemical difference between leucine and valine. This variant is present in population databases (rs757007907, ExAC 0.003%). This variant has not been reported in the literature in individuals affected with LPIN1-related conditions. Algorithms developed to predict the effect of missense changes on protein structure and function (SIFT, PolyPhen-2, Align-GVGD) all suggest that this variant is likely to be tolerated. Algorithms developed to predict the effect of sequence changes on RNA splicing suggest that this variant may create or strengthen a splice site. In summary, the available evidence is currently insufficient to determine the role of this variant in disease. Therefore, it has been classified as a Variant of Uncertain Significance.